The following is an entry in ClinVar:

NM_022098.4(XPNPEP3):c.970-8T>C

Gene: XPNPEP3 (X-prolyl aminopeptidase 3; plus strand). Cytogenetic location: 22q13.2.
Variant type: single nucleotide variant.
Coding change: c.970-8T>C on transcript NM_022098.4 (MANE Select); 8 bases into the intron before coding-DNA position 970, T replaced by C.
Molecular consequence: intron variant.
Genome position (GRCh38, 1-based): chr22:40,914,231, T>C. VCF-style: chr22-40914231-T-C. GRCh37 (hg19) VCF-style: chr22-41310235-T-C.
Identifiers: ClinVar variation 341670 (VCV000341670.9), dbSNP rs547747361, ClinGen allele CA10251832.

ClinVar aggregate classification (germline): Benign/Likely benign. Review status: criteria provided, multiple submitters, no conflicts (2 of 4 stars). 2 submissions from 2 submitters: Benign (1); Likely benign (1). Last evaluated 2022-11-09.

Conditions:
Nephronophthisis-like nephropathy 1 (NPHPL1). Identifiers: Orphanet 655, MedGen C3150419, MONDO:0013163, OMIM 613159.

Allele frequency attached by ClinVar (database versions not stated): gnomAD below 0.00001 and 0.00007; TOPMed 0.00002; gnomAD exomes 0.00013 and 0.00038; ExAC 0.00045; 1000 Genomes Project 30x 0.00125; 1000 Genomes Project 0.00160.

Submissions (2):

Labcorp Genetics (formerly Invitae), Labcorp
Classification: Benign for Nephronophthisis-like nephropathy 1. Last evaluated: 2022-11-09. Review status: criteria provided, single submitter. Criteria: Invitae Variant Classification Sherloc (09022015). Collection method: clinical testing. Allele origin: germline.

Illumina Laboratory Services, Illumina
Classification: Likely benign for Nephronophthisis-like nephropathy 1. Last evaluated: 2018-01-12. Review status: criteria provided, single submitter. Criteria: ICSL Variant Classification Criteria 13 December 2019. Collection method: clinical testing. Allele origin: germline.
Comment: This variant was observed in the ICSL laboratory as part of a predisposition screen in an ostensibly healthy population. It had not been previously curated by ICSL or reported in the Human Gene Mutation Database (HGMD: prior to June 1st, 2018), and was therefore a candidate for classification through an automated scoring system. Utilizing variant allele frequency, disease prevalence and penetrance estimates, and inheritance mode, an automated score was calculated to assess if this variant is too frequent to cause the disease. Based on the score and internal cut-off values, a variant classified as likely benign is not then subjected to further curation. The score for this variant resulted in a classification of likely benign for this disease.